The following is an entry in ClinVar:

ClinVar aggregate classification (germline): Pathogenic/Likely pathogenic. Review status: criteria provided, multiple submitters, no conflicts (2 of 4 stars). 7 submissions from 7 submitters: Pathogenic (4); Likely pathogenic (3). Last evaluated 2025-08-12.

Conditions:
MYO7A-related disorder. Also called: MYO7A-related disorders.
Rare genetic deafness. Identifiers: Orphanet 96210, MedGen C5680250.
Autosomal dominant nonsyndromic hearing loss 11. Identifiers: Orphanet 90635, MedGen C1832475, MONDO:0011032, OMIM 601317.
Usher syndrome type 1 (USH1). Also called: RETINITIS PIGMENTOSA AND CONGENITAL DEAFNESS. Identifiers: Orphanet 231169, Orphanet 886, MedGen C1568247, MONDO:0010168, OMIM 276900.
Autosomal recessive nonsyndromic hearing loss 2. Also called: DEAFNESS, AUTOSOMAL RECESSIVE 2; NEUROSENSORY NONSYNDROMIC RECESSIVE DEAFNESS 2. Identifiers: Orphanet 90636, MedGen C1838701, MONDO:0010807, OMIM 600060.
Usher syndrome type 1B (USH1B). Also called: Usher syndrome type IB. Identifiers: MedGen C1848638, MONDO:0700087.

Allele frequency attached by ClinVar (database versions not stated): ExAC 0.00001; gnomAD 0.00001; gnomAD exomes 0.00001 and 0.00002; TOPMed 0.00001.
gnomAD v4.1: 15 of 1,613,330 alleles (0.00093%); highest among the groups gnomAD compares: Middle Eastern, 0.016%; no homozygotes.

Submissions (7):

Natera, Inc.
Classification: Pathogenic for Usher syndrome type 1B. Last evaluated: 2025-08-12. Review status: criteria provided, single submitter. Criteria: Natera Variant Classification Schema (03/2026). Collection method: clinical testing. Allele origin: germline.
Comment: The c.2863G>A variant in MYO7A is a missense variant predicted to cause substitution of glycine to serine at amino acid 955. This variant is rare in the general population with a frequency below the threshold expected for the associated phenotype(s). This variant has been observed in one or more individuals affected with the associated recessive disease, as either homozygous or compound heterozygous with a second variant (PMID: 25211151, 21873662, 31479088, 27460420, 19074810, 29048421). This variant has been observed to segregate in affected family members (PMID: 25211151). This variant has been identified in one or more affected individual with a phenotype highly consistent with the associated gene (PMID: 25211151, 21873662, 31479088, 27460420, 19074810, 29048421). Given the available evidence, this variant is classified as Pathogenic.

GeneDx
Classification: Pathogenic. Last evaluated: 2025-06-18. Review status: criteria provided, single submitter. Criteria: GeneDx Variant Classification Process June 2021. Collection method: clinical testing. Allele origin: germline. Affected: yes.
Comment: In silico analysis supports a deleterious effect on splicing; In silico analysis suggests that this missense variant does not alter protein structure/function; This variant is associated with the following publications: (PMID: 9002678, 14642745, 25211151, 27208204, 19074810, 34426522, 36460718, 31479088, 29048421, 37798099)

PreventionGenetics, part of Exact Sciences
Classification: Pathogenic for MYO7A-related condition. Last evaluated: 2025-05-27. Review status: criteria provided, single submitter. Criteria: ACMG Guidelines, 2015. Collection method: clinical testing. Allele origin: germline.
Comment: The MYO7A c.2863G>A variant is predicted to result in the amino acid substitution p.Gly955Ser. This variant has been reported in the homozygous and compound heterozygous states in individuals with Usher syndrome or unspecified retinal disease (Reddy et al. 2014. PubMed ID: 25211151; Almontashiri et al. 2017. PubMed ID: 29048421; Table S1, Karali et al. 2022. PubMed ID: 36460718; Table S1, Hayman et al. 2024. PubMed ID: 37798099). This variant is present in 0.030% of alleles in individuals of Ashkenazi Jewish descent in gnomAD. This variant is interpreted as pathogenic.

Labcorp Genetics (formerly Invitae), Labcorp
Classification: Pathogenic. Last evaluated: 2025-03-17. Review status: criteria provided, single submitter. Criteria: Invitae Variant Classification Sherloc (09022015). Collection method: clinical testing. Allele origin: germline.
Comment: This sequence change replaces glycine, which is neutral and non-polar, with serine, which is neutral and polar, at codon 955 of the MYO7A protein (p.Gly955Ser). This variant is present in population databases (rs781988557, gnomAD 0.03%). This missense change has been observed in individual(s) with Usher syndrome and autosomal recessive deafness (PMID: 9002678, 19074810, 21873662, 25211151, 29048421). In at least one individual the data is consistent with being in trans (on the opposite chromosome) from a pathogenic variant. ClinVar contains an entry for this variant (Variation ID: 177733). Invitae Evidence Modeling of protein sequence and biophysical properties (such as structural, functional, and spatial information, amino acid conservation, physicochemical variation, residue mobility, and thermodynamic stability) indicates that this missense variant is not expected to disrupt MYO7A protein function with a negative predictive value of 95%. Algorithms developed to predict the effect of sequence changes on RNA splicing suggest that this variant may disrupt the consensus splice site. For these reasons, this variant has been classified as Pathogenic.

Blueprint Genetics
Classification: Likely pathogenic for MYO7A-related disorders. Last evaluated: 2024-09-30. Review status: criteria provided, single submitter. Criteria: ACMG Guidelines, 2015. Collection method: clinical testing. Allele origin: germline. Affected: yes. Observed: 5 variant alleles.

Fulgent Genetics
Classification: Likely pathogenic for Usher syndrome type 1; Autosomal recessive nonsyndromic hearing loss 2; Autosomal dominant nonsyndromic hearing loss 11. Last evaluated: 2024-01-16. Review status: criteria provided, single submitter. Criteria: ACMG Guidelines, 2015. Collection method: clinical testing. Allele origin: germline.

Laboratory for Molecular Medicine, Mass General Brigham Personalized Medicine
Classification: Likely pathogenic for Rare genetic deafness. Last evaluated: 2014-07-14. Review status: criteria provided, single submitter. Criteria: LMM Criteria. Collection method: clinical testing. Allele origin: germline. Inheritance: Autosomal recessive inheritance. Observed: 2 variant alleles.
Comment: The Gly955Ser in MYO7A has been previously reported in two individuals with Ushe r syndrome (Levy 1997, Jacobson 2009). One individual had an affected sibling wh o was also heterozygous for this variant (Levy 1997), and the other individual w as also found to carry a second pathogenic variant in MYO7A (Jacobson 2009). Thi s variant was absent from large population studies. Conservation analyses sugges t this variant may not impact the protein, due to the presence of serine (Ser) i n several mammals at this position. However, splicing prediction tools suggest t he creation of a cryptic donor splice site; though, this information is not pred ictive enough to determine pathogenicity. In summary, although additional studie s are required to fully establish its clinical significance, this variant is lik ely pathogenic based on the previous reports and its presence in trans with a pa thogenic variant in this individual.

Literature cited by the submitters: PubMed 25211151 (cited by Natera, Inc. and Labcorp Genetics (formerly Invitae), Labcorp); PubMed 21873662 (cited by Natera, Inc. and Labcorp Genetics (formerly Invitae), Labcorp); PubMed 31479088 (cited by Natera, Inc.); PubMed 27460420 (cited by Natera, Inc.); PubMed 19074810 (cited by 3 submitters); PubMed 29048421 (cited by Natera, Inc. and Labcorp Genetics (formerly Invitae), Labcorp); PubMed 9002678 (cited by Labcorp Genetics (formerly Invitae), Labcorp and Laboratory for Molecular Medicine, Mass General Brigham Personalized Medicine).

NM_000260.4(MYO7A):c.2863G>A (p.Gly955Ser)

Gene: MYO7A (myosin VIIA; plus strand). Cytogenetic location: 11q13.5.
Variant type: single nucleotide variant.
Coding change: c.2863G>A on transcript NM_000260.4 (MANE Select); coding-DNA position 2863, G replaced by A.
Protein change: p.Gly955Ser; replaces glycine 955 with serine.
Molecular consequence: missense variant.
Genome position (GRCh38, 1-based): chr11:77,181,548, G>A. VCF-style: chr11-77181548-G-A. GRCh37 (hg19) VCF-style: chr11-76892594-G-A.
Other names: c.2863G>A, p.Gly955Ser (NM_001127180.2); c.2830G>A, p.Gly944Ser (NM_001369365.1); short protein forms G955S, G944S.
Identifiers: ClinVar variation 177733 (VCV000177733.18), dbSNP rs781988557, ClinGen allele CA278729.